The following is an entry in ClinVar:

NM_138775.3(ALKBH8):c.1158C>T (p.Phe386=)

Gene: ALKBH8 (alkB homolog 8, tRNA methyltransferase; minus strand). Cytogenetic location: 11q22.3.
Variant type: single nucleotide variant.
Coding change: c.1158C>T on transcript NM_138775.3 (MANE Select); coding-DNA position 1158, C replaced by T.
Protein change: p.Phe386=; no amino-acid change (phenylalanine 386 retained).
Molecular consequence: synonymous variant. On other transcripts: non-coding transcript variant (5).
Genome position (GRCh38, 1-based): chr11:107,522,428, G>A on the plus strand (C>T on the coding strand, the complement: ALKBH8 is on the minus strand). VCF-style: chr11-107522428-G-A. GRCh37 (hg19) VCF-style: chr11-107393154-G-A.
Other names: c.1158C>T, p.Phe386= (NM_001301010.3, NM_001378133.1).
Identifiers: ClinVar variation 4681370 (VCV004681370.6).
Genomic context (GRCh38, chr11:107,522,428, plus strand): 5'-ACTTGGCAAAGCCTTCAAAAACTCCACAATGTGCGGCCAAGGGGTATGTCTTGTGCTGCT[G>A]AAGTGCCCAGCAATCTCTTCATAAACCTGATGGACGTACTCTTGCTCCAGCCGTGAGGCT-3'
Protein context (NP_620130.2, residues 376-396): HQVYEEIAGH[Phe386=]SSTRHTPWPH

ClinVar aggregate classification (germline): Likely benign. Review status: criteria provided, multiple submitters, no conflicts (2 of 4 stars). 2 submissions from 2 submitters: Likely benign (2). Last evaluated 2025-11-01.

gnomAD v4.1: 227 of 1,551,738 alleles (0.015%); highest among the groups gnomAD compares: Admixed American, 0.037%; 1 homozygote.

Submissions (2):

CeGaT Center for Human Genetics Tuebingen
Classification: Likely benign. Last evaluated: 2025-11-01. Review status: criteria provided, single submitter. Criteria: CeGaT Center For Human Genetics Tuebingen Variant Classification Criteria Version 2. Collection method: clinical testing. Allele origin: germline. Affected: yes. Observed: 1 variant allele.
Comment: ALKBH8: BP4, BP7

Blueprint Genetics
Classification: Likely benign. Last evaluated: 2024-11-25. Review status: criteria provided, single submitter. Criteria: ACMG Guidelines, 2015. Collection method: clinical testing. Allele origin: germline.